The following is an entry in ClinVar:

NM_015450.3(POT1):c.9+179A>G

Gene: POT1 (protection of telomeres 1; minus strand). Cytogenetic location: 7q31.33.
Variant type: single nucleotide variant.
Coding change: c.9+179A>G on transcript NM_015450.3 (MANE Select); 179 bases into the intron after coding-DNA position 9, A replaced by G.
Molecular consequence: intron variant.
Genome position (GRCh38, 1-based): chr7:124,896,986, T>C on the plus strand (A>G on the coding strand, the complement: POT1 is on the minus strand). VCF-style: chr7-124896986-T-C. GRCh37 (hg19) VCF-style: chr7-124537040-T-C.
Other names: c.-254+179A>G (NM_001042594.2).
Identifiers: ClinVar variation 679371 (VCV000679371.1), dbSNP rs115367394, ClinGen allele CA166098269.

ClinVar aggregate classification (germline): Benign (1 of 4 stars; one submission).

Allele frequency attached by ClinVar (database versions not stated): gnomAD 0.01726 and 0.01847; TOPMed 0.01929; 1000 Genomes Project 0.02037; 1000 Genomes Project 30x 0.02092.
gnomAD v4.1: 2,595 of 151,890 alleles (1.7%); highest among the groups gnomAD compares: African/African-American, 5.9%; 72 homozygotes.

Submission:

GeneDx
Classification: Benign. Last evaluated: 2018-06-20. Review status: criteria provided, single submitter. Criteria: GeneDx Variant Classification (06012015). Collection method: clinical testing. Allele origin: germline. Affected: yes.
Comment: This variant is considered likely benign or benign based on one or more of the following criteria: it is a conservative change, it occurs at a poorly conserved position in the protein, it is predicted to be benign by multiple in silico algorithms, and/or has population frequency not consistent with disease.